The following is an entry in ClinVar:

NM_006648.4(WNK2):c.569T>G (p.Leu190Arg)

Gene: WNK2 (WNK lysine deficient protein kinase 2; plus strand). Cytogenetic location: 9q22.31.
Variant type: single nucleotide variant.
Coding change: c.569T>G on transcript NM_006648.4 (MANE Select); coding-DNA position 569, T replaced by G.
Protein change: p.Leu190Arg; replaces leucine 190 with arginine.
Molecular consequence: missense variant.
Genome position (GRCh38, 1-based): chr9:93,185,498, T>G. VCF-style: chr9-93185498-T-G. GRCh37 (hg19) VCF-style: chr9-95947780-T-G.
Other names: c.569T>G, p.Leu190Arg (NM_001282394.3); short protein forms L190R.
Identifiers: ClinVar variation 4605351 (VCV004605351.1).

ClinVar aggregate classification (germline): Uncertain significance (1 of 4 stars; one submission).

Submission:

Ambry Genetics
Classification: Uncertain significance. Last evaluated: 2025-11-09. Review status: criteria provided, single submitter. Criteria: Ambry Variant Classification Scheme 2023. Collection method: clinical testing. Allele origin: germline.
Comment: The p.L190R variant (also known as c.569T>G), located in coding exon 1 of the WNK2 gene, results from a T to G substitution at nucleotide position 569. The leucine at codon 190 is replaced by arginine, an amino acid with dissimilar properties. This amino acid position is conserved. In addition, this alteration is predicted to be tolerated by in silico analysis. Based on the available evidence, the clinical significance of this variant remains unclear.